The following is an entry in ClinVar:

ClinVar aggregate classification (germline): Likely benign (1 of 4 stars; one submission).

Conditions:
NRP1-related disorder. Also called: NRP1-related condition.

Submission:

PreventionGenetics, part of Exact Sciences
Classification: Likely benign for NRP1-related condition. Last evaluated: 2025-05-28. Review status: criteria provided, single submitter. Criteria: ACMG Guidelines, 2015. Collection method: clinical testing. Allele origin: germline.
Comment: This variant is classified as likely benign based on ACMG/AMP sequence variant interpretation guidelines (Richards et al. 2015 PMID: 25741868, with internal and published modifications).

NM_003873.7(NRP1):c.1140C>T (p.Leu380=)

Gene: NRP1 (neuropilin 1; minus strand). Cytogenetic location: 10p11.22.
Variant type: single nucleotide variant.
Coding change: c.1140C>T on transcript NM_003873.7 (MANE Select); coding-DNA position 1140, C replaced by T.
Protein change: p.Leu380=; no amino-acid change (leucine 380 retained).
Molecular consequence: synonymous variant. On other transcripts: non-coding transcript variant (1).
Genome position (GRCh38, 1-based): chr10:33,221,861, G>A on the plus strand (C>T on the coding strand, the complement: NRP1 is on the minus strand). VCF-style: chr10-33221861-G-A. GRCh37 (hg19) VCF-style: chr10-33510789-G-A.
Other names: c.1140C>T, p.Leu380= (NM_001024628.3, NM_001024629.3, NM_001244972.2 and 2 more transcripts).
Identifiers: ClinVar variation 5000531 (VCV005000531.1).